The following is an entry in ClinVar:

ClinVar aggregate classification (germline): Uncertain significance (1 of 4 stars; one submission).

Conditions:
Retinitis pigmentosa 71 (RP71). Identifiers: Orphanet 791, MedGen C4225342, MONDO:0014618, OMIM 616394.
Short-rib thoracic dysplasia 10 with or without polydactyly (SRTD10). Identifiers: Orphanet 474, MedGen C3810175, MONDO:0014284, OMIM 615630.

Submission:

Labcorp Genetics (formerly Invitae), Labcorp
Classification: Uncertain significance for Retinitis pigmentosa 71; Short-rib thoracic dysplasia 10 with or without polydactyly. Last evaluated: 2022-06-13. Review status: criteria provided, single submitter. Criteria: Invitae Variant Classification Sherloc (09022015). Collection method: clinical testing. Allele origin: germline.
Comment: In summary, the available evidence is currently insufficient to determine the role of this variant in disease. Therefore, it has been classified as a Variant of Uncertain Significance. Algorithms developed to predict the effect of missense changes on protein structure and function are either unavailable or do not agree on the potential impact of this missense change (SIFT: "Deleterious"; PolyPhen-2: "Probably Damaging"; Align-GVGD: "Class C0"). This variant has not been reported in the literature in individuals affected with IFT172-related conditions. This variant is not present in population databases (gnomAD no frequency). This sequence change replaces tryptophan, which is neutral and slightly polar, with cysteine, which is neutral and slightly polar, at codon 99 of the IFT172 protein (p.Trp99Cys).

NM_015662.3(IFT172):c.297G>T (p.Trp99Cys)

Gene: IFT172 (intraflagellar transport 172; minus strand). Cytogenetic location: 2p23.3.
Variant type: single nucleotide variant.
Coding change: c.297G>T on transcript NM_015662.3 (MANE Select); coding-DNA position 297, G replaced by T.
Protein change: p.Trp99Cys; replaces tryptophan 99 with cysteine.
Molecular consequence: missense variant.
Genome position (GRCh38, 1-based): chr2:27,484,266, C>A on the plus strand (G>T on the coding strand, the complement: IFT172 is on the minus strand). VCF-style: chr2-27484266-C-A. GRCh37 (hg19) VCF-style: chr2-27707133-C-A.
Other names: short protein forms W99C.
Identifiers: ClinVar variation 1462235 (VCV001462235.8), dbSNP rs2148557687, ClinGen allele CA346402058.